The following is an entry in ClinVar:

NM_000092.5(COL4A4):c.4525C>T (p.Leu1509=)

Gene: COL4A4 (collagen type IV alpha 4 chain; minus strand). Cytogenetic location: 2q36.3.
Variant type: single nucleotide variant.
Coding change: c.4525C>T on transcript NM_000092.5 (MANE Select); coding-DNA position 4525, C replaced by T.
Protein change: p.Leu1509=; no amino-acid change (leucine 1509 retained).
Molecular consequence: synonymous variant.
Genome position (GRCh38, 1-based): chr2:227,008,302, G>A on the plus strand (C>T on the coding strand, the complement: COL4A4 is on the minus strand). VCF-style: chr2-227008302-G-A. GRCh37 (hg19) VCF-style: chr2-227873018-G-A.
Identifiers: ClinVar variation 740618 (VCV000740618.35), dbSNP rs200849651, ClinGen allele CA2144128.
Genomic context (GRCh38, chr2:227,008,302, plus strand): 5'-GGTGGATGTTGCAGTAGGCAAAGGGCAGCGTGCTAAATACGGGAAGGCAAGACCCTGCCA[G>A]ACCTTGGGAAGGGAAGAAGAGACAGCTGGTGTCCAAGCACCCCATGTAGGTGTTCCCAGA-3'
Protein context (NP_000083.3, residues 1499-1519): QEKAHNQDLG[Leu1509=]AGSCLPVFST

ClinVar aggregate classification (germline): Likely benign. Review status: criteria provided, multiple submitters, no conflicts (2 of 4 stars). 4 submissions from 4 submitters: Likely benign (3). 1 of the submissions does not count toward it. Last evaluated 2024-03-25.

Conditions:
COL4A4-related disorder.
Autosomal recessive Alport syndrome (ATS2). Also called: ALPORT SYNDROME 2, AUTOSOMAL RECESSIVE; Alport syndrome type 2; COL4A3-Related Nephropathy; COL4A4 Alport Syndrome and Thin Basement Membrane Nephropathy. Identifiers: Orphanet 63, Orphanet 88919, MedGen C4746745, MONDO:0008762, OMIM 203780.
Benign familial hematuria. Also called: thin basement membrane disease. Identifiers: MedGen C0241908, MONDO:0957317.

Allele frequency attached by ClinVar (database versions not stated): ExAC 0.00003; gnomAD exomes 0.00004 and 0.00010; gnomAD 0.00005; TOPMed 0.00007.
gnomAD v4.1: 151 of 1,614,018 alleles (0.0094%); highest among the groups gnomAD compares: Non-Finnish European, 0.012%; no homozygotes.

Submissions (4):

Labcorp Genetics (formerly Invitae), Labcorp
Classification: Likely benign. Last evaluated: 2024-03-25. Review status: criteria provided, single submitter. Criteria: Invitae Variant Classification Sherloc (09022015). Collection method: clinical testing. Allele origin: germline.

CeGaT Center for Human Genetics Tuebingen
Classification: Likely benign. Last evaluated: 2023-11-01. Review status: criteria provided, single submitter. Criteria: CeGaT Center For Human Genetics Tuebingen Variant Classification Criteria Version 2. Collection method: clinical testing. Allele origin: germline. Affected: yes. Observed: 1 variant allele.
Comment: COL4A4: BP4

Fulgent Genetics
Classification: Likely benign for Hematuria, benign familial, 1; Autosomal recessive Alport syndrome. Last evaluated: 2021-07-19. Review status: criteria provided, single submitter. Criteria: ACMG Guidelines, 2015. Collection method: clinical testing. Allele origin: unknown.

PreventionGenetics, part of Exact Sciences
Classification: Likely benign for COL4A4-related condition. Last evaluated: 2019-04-22. Review status: no assertion criteria provided. Collection method: clinical testing. Allele origin: germline. Not counted in ClinVar's aggregate classification.
Comment: This variant is classified as likely benign based on ACMG/AMP sequence variant interpretation guidelines (Richards et al. 2015 PMID: 25741868, with internal and published modifications).